The following is an entry in ClinVar:

NM_006231.4(POLE):c.4387T>G (p.Phe1463Val)

Gene: POLE (DNA polymerase epsilon, catalytic subunit; minus strand). Cytogenetic location: 12q24.33.
Variant type: single nucleotide variant.
Coding change: c.4387T>G on transcript NM_006231.4 (MANE Select); coding-DNA position 4387, T replaced by G.
Protein change: p.Phe1463Val; replaces phenylalanine 1463 with valine.
Molecular consequence: missense variant.
Genome position (GRCh38, 1-based): chr12:132,643,464, A>C on the plus strand (T>G on the coding strand, the complement: POLE is on the minus strand). VCF-style: chr12-132643464-A-C. GRCh37 (hg19) VCF-style: chr12-133220050-A-C.
Other names: short protein forms F1463V.
Identifiers: ClinVar variation 4841496 (VCV004841496.1).

ClinVar aggregate classification (germline): Uncertain significance (1 of 4 stars; one submission).

Conditions:
Hereditary cancer-predisposing syndrome. Also called: Neoplastic Syndromes, Hereditary; Tumor predisposition; Hereditary Cancer Syndrome; Hereditary neoplastic syndrome. Identifiers: Orphanet 140162, MedGen C0027672, MeSH D009386, MONDO:0015356.

Submission:

Ambry Genetics
Classification: Uncertain significance for Hereditary cancer-predisposing syndrome. Last evaluated: 2025-12-16. Review status: criteria provided, single submitter. Criteria: Ambry Variant Classification Scheme 2023. Collection method: clinical testing. Allele origin: germline.
Comment: The p.F1463V variant (also known as c.4387T>G), located in coding exon 34 of the POLE gene, results from a T to G substitution at nucleotide position 4387. The phenylalanine at codon 1463 is replaced by valine, an amino acid with highly similar properties. This amino acid position is conserved. In addition, the in silico prediction for this alteration is inconclusive. Based on the available evidence, the clinical significance of this variant remains unclear.